The following is an entry in ClinVar:

ClinVar aggregate classification (germline): Conflicting classifications of pathogenicity. Review status: criteria provided, conflicting classifications (1 of 4 stars). 5 submissions from 5 submitters: Uncertain significance (1); Likely benign (4). Last evaluated 2026-04-22.

Conditions:
Monogenic short statue.
CBL-related disorder. Also called: CBL MUTATION-ASSOCIATED SYNDROME; CBL SYNDROME; NOONAN SYNDROME-LIKE DISORDER WITHOUT JUVENILE MYELOMONOCYTIC LEUKEMIA. Identifiers: Orphanet 363972, MedGen C3150803, MONDO:0013308, OMIM 613563.
Cardiovascular phenotype. Identifiers: MedGen CN230736.
RASopathy. Also called: rasopathies; Noonan spectrum disorder. Identifiers: Orphanet 536391, MedGen C5555857, MONDO:0021060.

Allele frequency attached by ClinVar (database versions not stated): gnomAD exomes 0.00001 and 0.00004; ExAC 0.00004; TOPMed 0.00010; gnomAD 0.00012 and 0.00014; ESP Exome Variant Server 0.00038.

Submissions (5):

NHS Central & South Genomic Laboratory Hub
Classification: Uncertain significance for Monogenic short statue. Last evaluated: 2026-04-22. Review status: criteria provided, single submitter. Criteria: ACMG Guidelines, 2015. Collection method: clinical testing. Allele origin: germline. Affected: yes.

Labcorp Genetics (formerly Invitae), Labcorp
Classification: Likely benign for RASopathy. Last evaluated: 2026-01-25. Review status: criteria provided, single submitter. Criteria: Invitae Variant Classification Sherloc (09022015). Collection method: clinical testing. Allele origin: germline.

PreventionGenetics, part of Exact Sciences
Classification: Likely benign for CBL-related condition. Last evaluated: 2025-03-20. Review status: criteria provided, single submitter. Criteria: ACMG Guidelines, 2015. Collection method: clinical testing. Allele origin: germline.
Comment: This variant is classified as likely benign based on ACMG/AMP sequence variant interpretation guidelines (Richards et al. 2015 PMID: 25741868, with internal and published modifications).

Ambry Genetics
Classification: Likely benign for Cardiovascular phenotype. Last evaluated: 2022-06-06. Review status: criteria provided, single submitter. Criteria: Ambry Variant Classification Scheme 2023. Collection method: clinical testing. Allele origin: germline.

GeneDx
Classification: Likely benign. Last evaluated: 2021-05-04. Review status: criteria provided, single submitter. Criteria: GeneDx Variant Classification Process June 2021. Collection method: clinical testing. Allele origin: germline. Affected: yes.
Comment: Has not been previously published as pathogenic or benign to our knowledge

NM_005188.4(CBL):c.1871T>C (p.Leu624Ser)

Gene: CBL (Cbl proto-oncogene; plus strand). Cytogenetic location: 11q23.3.
Variant type: single nucleotide variant.
Coding change: c.1871T>C on transcript NM_005188.4 (MANE Select); coding-DNA position 1871, T replaced by C.
Protein change: p.Leu624Ser; replaces leucine 624 with serine.
Molecular consequence: missense variant.
Genome position (GRCh38, 1-based): chr11:119,285,496, T>C. VCF-style: chr11-119285496-T-C. GRCh37 (hg19) VCF-style: chr11-119156206-T-C.
Other names: p.L624S:TTG>TCG; short protein forms L624S.
Identifiers: ClinVar variation 40415 (VCV000040415.14), dbSNP rs150550899, ClinGen allele CA282037.